The following is an entry in ClinVar:

NM_007186.6(CEP250):c.5884C>T (p.Arg1962Trp)

Gene: CEP250 (centrosomal protein 250; plus strand). Cytogenetic location: 20q11.22.
Variant type: single nucleotide variant.
Coding change: c.5884C>T on transcript NM_007186.6 (MANE Select); coding-DNA position 5884, C replaced by T.
Protein change: p.Arg1962Trp; replaces arginine 1962 with tryptophan.
Molecular consequence: missense variant.
Genome position (GRCh38, 1-based): chr20:35,504,253, C>T. VCF-style: chr20-35504253-C-T. GRCh37 (hg19) VCF-style: chr20-34092081-C-T.
Other names: c.3988C>T, p.Arg1330Trp (NM_001318219.1); short protein forms R1330W, R1962W.
Identifiers: ClinVar variation 1010790 (VCV001010790.5), dbSNP rs775658359, ClinGen allele CA9833958.

ClinVar aggregate classification (germline): Uncertain significance (1 of 4 stars; one submission).

Allele frequency attached by ClinVar (database versions not stated): gnomAD 0.00005 and 0.00006; gnomAD exomes 0.00005; TOPMed 0.00005; ExAC 0.00007.

Submission:

Labcorp Genetics (formerly Invitae), Labcorp
Classification: Uncertain significance. Last evaluated: 2023-10-13. Review status: criteria provided, single submitter. Criteria: Invitae Variant Classification Sherloc (09022015). Collection method: clinical testing. Allele origin: germline.
Comment: This sequence change replaces arginine, which is basic and polar, with tryptophan, which is neutral and slightly polar, at codon 1962 of the CEP250 protein (p.Arg1962Trp). This variant is present in population databases (rs775658359, gnomAD 0.008%). This variant has not been reported in the literature in individuals affected with CEP250-related conditions. ClinVar contains an entry for this variant (Variation ID: 1010790). An algorithm developed to predict the effect of missense changes on protein structure and function (PolyPhen-2) suggests that this variant¬†is likely to be tolerated. In summary, the available evidence is currently insufficient to determine the role of this variant in disease. Therefore, it has been classified as a Variant of Uncertain Significance.